The following is an entry in ClinVar:

NM_000748.3(CHRNB2):c.713C>T (p.Thr238Ile)

Gene: CHRNB2 (cholinergic receptor nicotinic beta 2 subunit; plus strand). Cytogenetic location: 1q21.3.
Variant type: single nucleotide variant.
Coding change: c.713C>T on transcript NM_000748.3 (MANE Select); coding-DNA position 713, C replaced by T.
Protein change: p.Thr238Ile; replaces threonine 238 with isoleucine.
Molecular consequence: missense variant.
Genome position (GRCh38, 1-based): chr1:154,571,536, C>T. VCF-style: chr1-154571536-C-T. GRCh37 (hg19) VCF-style: chr1-154544012-C-T.
Other names: short protein forms T238I.
Identifiers: ClinVar variation 3781261 (VCV003781261.1).

ClinVar aggregate classification (germline): Uncertain significance (1 of 4 stars; one submission).

Submission:

GeneDx
Classification: Uncertain significance. Last evaluated: 2024-10-16. Review status: criteria provided, single submitter. Criteria: GeneDx Variant Classification Process June 2021. Collection method: clinical testing. Allele origin: germline. Affected: yes.
Comment: Not observed at significant frequency in large population cohorts (gnomAD); In silico analysis supports that this missense variant has a deleterious effect on protein structure/function; Has not been previously published as pathogenic or benign to our knowledge